The following is an entry in ClinVar:

NM_017672.6(TRPM7):c.590G>A (p.Arg197Gln)

Gene: TRPM7 (transient receptor potential cation channel subfamily M member 7; minus strand). Cytogenetic location: 15q21.2.
Variant type: single nucleotide variant.
Coding change: c.590G>A on transcript NM_017672.6 (MANE Select); coding-DNA position 590, G replaced by A.
Protein change: p.Arg197Gln; replaces arginine 197 with glutamine.
Molecular consequence: missense variant. On other transcripts: non-coding transcript variant (3).
Genome position (GRCh38, 1-based): chr15:50,639,494, C>T on the plus strand (G>A on the coding strand, the complement: TRPM7 is on the minus strand). VCF-style: chr15-50639494-C-T. GRCh37 (hg19) VCF-style: chr15-50931691-C-T.
Other names: c.590G>A, p.Arg197Gln (NM_001301212.2); c.590G>A (NM_017672.5); short protein forms R197Q.
Identifiers: ClinVar variation 2363893 (VCV002363893.3), dbSNP rs767402614, ClinGen allele CA7557946.

ClinVar aggregate classification (germline): Uncertain significance. Review status: criteria provided, multiple submitters, no conflicts (2 of 4 stars). 2 submissions from 2 submitters: Uncertain significance (2). Last evaluated 2023-06-02.

Submissions (2):

Women's Health and Genetics/Laboratory Corporation of America, LabCorp
Classification: Uncertain significance. Last evaluated: 2023-06-02. Review status: criteria provided, single submitter. Criteria: LabCorp Variant Classification Summary - May 2015. Collection method: clinical testing. Allele origin: germline.
Comment: Variant summary: TRPM7 c.590G>A (p.Arg197Gln) results in a conservative amino acid change located in the TRPM, SLOG domain (IPR041491) of the encoded protein sequence. Four of five in-silico tools predict a benign effect of the variant on protein function. The variant allele was found at a frequency of 1.6e-05 in 249206 control chromosomes (gnomAD). The available data on variant occurrences in the general population are insufficient to allow any conclusion about variant significance. To our knowledge, no occurrence of c.590G>A in individuals affected with Amyotrophic Lateral Sclerosis-Parkinsonism Complex and no experimental evidence demonstrating its impact on protein function have been reported. One clinical diagnostic laboratory has submitted a clinical-significance assessment for this variant to ClinVar after 2014, and classified it as uncertain significance. Based on the evidence outlined above, the variant was classified as uncertain significance.

Ambry Genetics
Classification: Uncertain significance. Last evaluated: 2022-06-17. Review status: criteria provided, single submitter. Criteria: Ambry Variant Classification Scheme 2023. Collection method: clinical testing. Allele origin: germline.